The following is an entry in ClinVar:

NM_006361.6(HOXB13):c.87C>T (p.Ala29=)

Gene: HOXB13 (homeobox B13; minus strand). Cytogenetic location: 17q21.32.
Variant type: single nucleotide variant.
Coding change: c.87C>T on transcript NM_006361.6 (MANE Select); coding-DNA position 87, C replaced by T.
Protein change: p.Ala29=; no amino-acid change (alanine 29 retained).
Molecular consequence: synonymous variant.
Genome position (GRCh38, 1-based): chr17:48,728,507, G>A on the plus strand (C>T on the coding strand, the complement: HOXB13 is on the minus strand). VCF-style: chr17-48728507-G-A. GRCh37 (hg19) VCF-style: chr17-46805869-G-A.
Identifiers: ClinVar variation 1635109 (VCV001635109.11), dbSNP rs1343907541, ClinGen allele CA500502985.
Genomic context (GRCh38, chr17:48,728,507, plus strand): 5'-GGCATAGTTGACAGCAGGCATCAGCGTAGGCGCCGCTGGGTGGCTGGTCAGAGGGGAGTG[G>A]GCGACCAGATTCCGCCCCCCTCCCGCTCCCAGCAAGCCTTCGATATCCTTGGCTCCATCC-3'
Protein context (NP_006352.2, residues 19-39): LGAGGGRNLV[Ala29=]HSPLTSHPAA

ClinVar aggregate classification (germline): Benign/Likely benign. Review status: criteria provided, multiple submitters, no conflicts (2 of 4 stars). 3 submissions from 3 submitters: Benign (1); Likely benign (2). Last evaluated 2025-08-01.

Conditions:
Prostate cancer, hereditary, 9 (HPC9). Identifiers: Orphanet 1331, MedGen C1970250, MONDO:0012597, OMIM 610997.
Hereditary cancer-predisposing syndrome. Also called: Neoplastic Syndromes, Hereditary; Tumor predisposition; Hereditary Cancer Syndrome; Hereditary neoplastic syndrome. Identifiers: Orphanet 140162, MedGen C0027672, MeSH D009386, MONDO:0015356.

Allele frequency attached by ClinVar (database versions not stated): gnomAD exomes below 0.00001; TOPMed below 0.00001; gnomAD 0.00001.
gnomAD v4.1: 5 of 1,613,330 alleles (0.00031%); highest among the groups gnomAD compares: Non-Finnish European, 0.00042%; no homozygotes.

Submissions (3):

Labcorp Genetics (formerly Invitae), Labcorp
Classification: Likely benign. Last evaluated: 2025-08-01. Review status: criteria provided, single submitter. Criteria: Invitae Variant Classification Sherloc (09022015). Collection method: clinical testing. Allele origin: germline.

Myriad Genetics, Inc.
Classification: Benign for Prostate cancer, hereditary, 9. Last evaluated: 2024-10-28. Review status: criteria provided, single submitter. Criteria: Myriad Autosomal Dominant, Autosomal Recessive and X-Linked Classification Criteria (2023). Collection method: clinical testing. Allele origin: unknown.
Comment: This variant is considered benign. This variant is a silent/synonymous amino acid change and it is not expected to impact splicing.

Ambry Genetics
Classification: Likely benign for Hereditary cancer-predisposing syndrome. Last evaluated: 2020-03-13. Review status: criteria provided, single submitter. Criteria: Ambry Variant Classification Scheme 2023. Collection method: clinical testing. Allele origin: germline.